The following is an entry in ClinVar:

NM_004104.5(FASN):c.2544G>C (p.Glu848Asp)

Gene: FASN (fatty acid synthase; minus strand). Cytogenetic location: 17q25.3.
Variant type: single nucleotide variant.
Coding change: c.2544G>C on transcript NM_004104.5 (MANE Select); coding-DNA position 2544, G replaced by C.
Protein change: p.Glu848Asp; replaces glutamic acid 848 with aspartic acid.
Molecular consequence: missense variant.
Genome position (GRCh38, 1-based): chr17:82,088,439, C>G on the plus strand (G>C on the coding strand, the complement: FASN is on the minus strand). VCF-style: chr17-82088439-C-G. GRCh37 (hg19) VCF-style: chr17-80046315-C-G.
Other names: short protein forms E848D.
Identifiers: ClinVar variation 1061965 (VCV001061965.9), dbSNP rs2034144899, ClinGen allele CA401557230.

ClinVar aggregate classification (germline): Uncertain significance (1 of 4 stars; one submission).

Conditions:
Epileptic encephalopathy. Identifiers: MedGen C0543888, HP:0200134.

Allele frequency attached by ClinVar (database versions not stated): TOPMed below 0.00001.

Submission:

Labcorp Genetics (formerly Invitae), Labcorp
Classification: Uncertain significance for Epileptic encephalopathy. Last evaluated: 2025-02-12. Review status: criteria provided, single submitter. Criteria: Invitae Variant Classification Sherloc (09022015). Collection method: clinical testing. Allele origin: germline.
Comment: This sequence change replaces glutamic acid, which is acidic and polar, with aspartic acid, which is acidic and polar, at codon 848 of the FASN protein (p.Glu848Asp). This variant is not present in population databases (gnomAD no frequency). This variant has not been reported in the literature in individuals affected with FASN-related conditions. ClinVar contains an entry for this variant (Variation ID: 1061965). An algorithm developed to predict the effect of missense changes on protein structure and function (PolyPhen-2) suggests that this variant is likely to be tolerated. In summary, the available evidence is currently insufficient to determine the role of this variant in disease. Therefore, it has been classified as a Variant of Uncertain Significance.